The following is an entry in ClinVar:

ClinVar aggregate classification (germline): Uncertain significance. Review status: criteria provided, multiple submitters, no conflicts (2 of 4 stars). 2 submissions from 2 submitters: Uncertain significance (2). Last evaluated 2026-01-14.

Conditions:
Inborn genetic diseases. Identifiers: MedGen C0950123, MeSH D030342.
Infantile-onset X-linked spinal muscular atrophy. Also called: Spinal muscular atrophy, X-linked 2; Spinal Muscular Atrophy, X-Linked Infantile; AMC, DISTAL, X-LINKED; ARTHROGRYPOSIS, X-LINKED, TYPE I; SPINAL MUSCULAR ATROPHY, X-LINKED LETHAL INFANTILE. Identifiers: Orphanet 1145, MedGen C1844934, MONDO:0010532, OMIM 301830.

Allele frequency attached by ClinVar (database versions not stated): gnomAD 0.00001; gnomAD exomes 0.00001 and 0.00003; TOPMed 0.00002.
gnomAD v4.1: 31 of 1,208,762 alleles (0.0026%); highest among the groups gnomAD compares: African/African-American, 0.0053%; no homozygotes.

Submissions (2):

Ambry Genetics
Classification: Uncertain significance for Inborn genetic diseases. Last evaluated: 2026-01-14. Review status: criteria provided, single submitter. Criteria: Ambry Variant Classification Scheme 2023. Collection method: clinical testing. Allele origin: germline.
Comment: The c.2893C>G (p.P965A) alteration is located in exon 24 (coding exon 23) of the UBA1 gene. This alteration results from a C to G substitution at nucleotide position 2893, causing the proline (P) at amino acid position 965 to be replaced by an alanine (A). Based on data from gnomAD, the G allele has an overall frequency of <0.001% (1/183520) total alleles studied. The highest observed frequency was 0.008% (1/13161) of African alleles. Based on insufficient or conflicting evidence, the clinical significance of this alteration remains unclear.

Labcorp Genetics (formerly Invitae), Labcorp
Classification: Uncertain significance for Infantile-onset X-linked spinal muscular atrophy. Last evaluated: 2024-07-02. Review status: criteria provided, single submitter. Criteria: Invitae Variant Classification Sherloc (09022015). Collection method: clinical testing. Allele origin: germline.
Comment: This sequence change replaces proline, which is neutral and non-polar, with alanine, which is neutral and non-polar, at codon 965 of the UBA1 protein (p.Pro965Ala). This variant is present in population databases (no rsID available, gnomAD 0.008%). This variant has not been reported in the literature in individuals affected with UBA1-related conditions. ClinVar contains an entry for this variant (Variation ID: 1448140). An algorithm developed to predict the effect of missense changes on protein structure and function (PolyPhen-2) suggests that this variant is likely to be tolerated. In summary, the available evidence is currently insufficient to determine the role of this variant in disease. Therefore, it has been classified as a Variant of Uncertain Significance.

NM_003334.4(UBA1):c.2893C>G (p.Pro965Ala)

Gene: UBA1 (ubiquitin like modifier activating enzyme 1; plus strand). Cytogenetic location: Xp11.3.
Variant type: single nucleotide variant.
Coding change: c.2893C>G on transcript NM_003334.4 (MANE Select); coding-DNA position 2893, C replaced by G.
Protein change: p.Pro965Ala; replaces proline 965 with alanine.
Molecular consequence: missense variant.
Genome position (GRCh38, 1-based): chrX:47,214,381, C>G. VCF-style: chrX-47214381-C-G. GRCh37 (hg19) VCF-style: chrX-47073780-C-G.
Other names: c.2893C>G, p.Pro965Ala (NM_153280.3); short protein forms P965A.
Identifiers: ClinVar variation 1448140 (VCV001448140.11), dbSNP rs1556794528, ClinGen allele CA412811536.